The following is an entry in ClinVar:

ClinVar aggregate classification (germline): Uncertain significance (1 of 4 stars; one submission).

gnomAD v4.1: 5 of 1,211,707 alleles (0.00041%); highest among the groups gnomAD compares: South Asian, 0.0018%; no homozygotes.

Submission:

Labcorp Genetics (formerly Invitae), Labcorp
Classification: Uncertain significance. Last evaluated: 2025-02-10. Review status: criteria provided, single submitter. Criteria: Invitae Variant Classification Sherloc (09022015). Collection method: clinical testing. Allele origin: germline.
Comment: This sequence change replaces leucine, which is neutral and non-polar, with valine, which is neutral and non-polar, at codon 170 of the PHEX protein (p.Leu170Val). This variant is present in population databases (rs755595286, gnomAD 0.003%). This variant has not been reported in the literature in individuals affected with PHEX-related conditions. Invitae Evidence Modeling of protein sequence and biophysical properties (such as structural, functional, and spatial information, amino acid conservation, physicochemical variation, residue mobility, and thermodynamic stability) indicates that this missense variant is expected to disrupt PHEX protein function with a positive predictive value of 80%. In summary, the available evidence is currently insufficient to determine the role of this variant in disease. Therefore, it has been classified as a Variant of Uncertain Significance.

NM_000444.6(PHEX):c.508C>G (p.Leu170Val)

Gene: PHEX (phosphate regulating endopeptidase X-linked; plus strand). Cytogenetic location: Xp22.11.
Variant type: single nucleotide variant.
Coding change: c.508C>G on transcript NM_000444.6 (MANE Select); coding-DNA position 508, C replaced by G.
Protein change: p.Leu170Val; replaces leucine 170 with valine.
Molecular consequence: missense variant.
Genome position (GRCh38, 1-based): chrX:22,077,547, C>G. VCF-style: chrX-22077547-C-G. GRCh37 (hg19) VCF-style: chrX-22095665-C-G.
Other names: c.508C>G, p.Leu170Val (NM_001282754.2); short protein forms L170V.
Identifiers: ClinVar variation 4752202 (VCV004752202.1).